The following is an entry in ClinVar:

ClinVar aggregate classification (germline): Pathogenic. Review status: criteria provided, single submitter (1 of 4 stars). 2 submissions from 2 submitters: Pathogenic (1). 1 of the submissions does not count toward it. Last evaluated 2025-10-25.

Conditions:
Breast-ovarian cancer, familial, susceptibility to, 2 (BROVCA2). Also called: BRCA2 Hereditary Breast and Ovarian Cancer. Identifiers: Orphanet 145, MedGen C2675520, MONDO:0012933, OMIM 612555. Disease mechanism: loss of function.
Hereditary breast ovarian cancer syndrome. Also called: Hereditary breast and ovarian cancer syndrome; Hereditary breast and ovarian cancer syndrome (HBOC); BRCA1- and BRCA2-Associated Hereditary Breast and Ovarian Cancer; Hereditary breast and ovarian cancer; Breast and ovarian cancer; Hereditary breast and/or ovarian cancer syndrome. Identifiers: Orphanet 145, MedGen C0677776, MeSH D061325, MONDO:0003582. Disease mechanism: loss of function.

Submissions (2):

Labcorp Genetics (formerly Invitae), Labcorp
Classification: Pathogenic for Hereditary breast ovarian cancer syndrome. Last evaluated: 2025-10-25. Review status: criteria provided, single submitter. Criteria: Invitae Variant Classification Sherloc (09022015). Collection method: clinical testing. Allele origin: germline.
Comment: This sequence change creates a premature translational stop signal (p.Leu1260*) in the BRCA2 gene. It is expected to result in an absent or disrupted protein product. Loss-of-function variants in BRCA2 are known to be pathogenic (PMID: 20104584). This variant is not present in population databases (gnomAD no frequency). This variant has not been reported in the literature in individuals affected with BRCA2-related conditions. ClinVar contains an entry for this variant (Variation ID: 531227). For these reasons, this variant has been classified as Pathogenic.

Counsyl
Classification: Likely pathogenic for Breast-ovarian cancer, familial, susceptibility to, 2. Last evaluated: 2018-05-08. Review status: no assertion criteria provided. Collection method: clinical testing. Allele origin: unknown. Not counted in ClinVar's aggregate classification.

Literature cited by the submitters: PubMed 20104584 (cited by Labcorp Genetics (formerly Invitae), Labcorp).

NM_000059.4(BRCA2):c.3779T>G (p.Leu1260Ter)

Gene: BRCA2 (BRCA2 DNA repair associated; plus strand). Cytogenetic location: 13q13.1.
Variant type: single nucleotide variant.
Coding change: c.3779T>G on transcript NM_000059.4 (MANE Select); coding-DNA position 3779, T replaced by G.
Protein change: p.Leu1260Ter; replaces leucine 1260 with a stop codon.
Molecular consequence: nonsense.
Genome position (GRCh38, 1-based): chr13:32,338,134, T>G. VCF-style: chr13-32338134-T-G. GRCh37 (hg19) VCF-style: chr13-32912271-T-G.
Other names: short protein forms L1260*.
Identifiers: ClinVar variation 531227 (VCV000531227.10), dbSNP rs1555283397, ClinGen allele CA387778317.